The following is an entry in ClinVar:

ClinVar aggregate classification (germline): Uncertain significance (1 of 4 stars; one submission).

gnomAD v4.1: 5 of 1,614,134 alleles (0.00031%); highest among the groups gnomAD compares: South Asian, 0.0011%; no homozygotes.

Submission:

Labcorp Genetics (formerly Invitae), Labcorp
Classification: Uncertain significance. Last evaluated: 2024-10-08. Review status: criteria provided, single submitter. Criteria: Invitae Variant Classification Sherloc (09022015). Collection method: clinical testing. Allele origin: germline.
Comment: This sequence change replaces serine, which is neutral and polar, with asparagine, which is neutral and polar, at codon 382 of the EPHA4 protein (p.Ser382Asn). This variant is not present in population databases (gnomAD no frequency). This variant has not been reported in the literature in individuals affected with EPHA4-related conditions. Invitae Evidence Modeling of protein sequence and biophysical properties (such as structural, functional, and spatial information, amino acid conservation, physicochemical variation, residue mobility, and thermodynamic stability) indicates that this missense variant is not expected to disrupt EPHA4 protein function with a negative predictive value of 80%. In summary, the available evidence is currently insufficient to determine the role of this variant in disease. Therefore, it has been classified as a Variant of Uncertain Significance.

NM_004438.5(EPHA4):c.1145G>A (p.Ser382Asn)

Gene: EPHA4 (EPH receptor A4; minus strand). Cytogenetic location: 2q36.1.
Variant type: single nucleotide variant.
Coding change: c.1145G>A on transcript NM_004438.5 (MANE Select); coding-DNA position 1145, G replaced by A.
Protein change: p.Ser382Asn; replaces serine 382 with asparagine.
Molecular consequence: missense variant.
Genome position (GRCh38, 1-based): chr2:221,482,525, C>T on the plus strand (G>A on the coding strand, the complement: EPHA4 is on the minus strand). VCF-style: chr2-221482525-C-T. GRCh37 (hg19) VCF-style: chr2-222347245-C-T.
Other names: c.1145G>A, p.Ser382Asn (NM_001304536.2, NM_001363748.2); c.992G>A, p.Ser331Asn (NM_001304537.2); short protein forms S331N, S382N.
Identifiers: ClinVar variation 3605581 (VCV003605581.2).
Genomic context (GRCh38, chr2:221,482,525, plus strand): 5'-TCAGTGATGGAGACTTTGGTGGTCTTCAAGCCATTCTGCTGTGGGGTGTAGTGGACCCCA[C>T]TTCCACAGGGTCGGCACTTGCTGGGGTCACCAGCTCCACATTTCTTGCATACCACATTAT-3'
Protein context (NP_004429.1, residues 372-392): GDPSKCRPCG[Ser382Asn]GVHYTPQQNG